The following is an entry in ClinVar:

NM_022114.4(PRDM16):c.2609T>C (p.Val870Ala)

Gene: PRDM16 (PR/SET domain 16; plus strand). Cytogenetic location: 1p36.32.
Variant type: single nucleotide variant.
Coding change: c.2609T>C on transcript NM_022114.4 (MANE Select); coding-DNA position 2609, T replaced by C.
Protein change: p.Val870Ala; replaces valine 870 with alanine.
Molecular consequence: missense variant.
Genome position (GRCh38, 1-based): chr1:3,414,565, T>C. VCF-style: chr1-3414565-T-C. GRCh37 (hg19) VCF-style: chr1-3331129-T-C.
Other names: c.2609T>C, p.Val870Ala (NM_199454.3); short protein forms V870A.
Identifiers: ClinVar variation 3607680 (VCV003607680.2).

ClinVar aggregate classification (germline): Uncertain significance (1 of 4 stars; one submission).

Conditions:
Left ventricular noncompaction 8 (LVNC8). Identifiers: Orphanet 154, Orphanet 54260, MedGen C3809288, MONDO:0014152, OMIM 615373.

gnomAD v4.1: 1 of 1,612,092 alleles (0.000062%); highest among the groups gnomAD compares: Non-Finnish European, 0.000085%; no homozygotes.

Submission:

Labcorp Genetics (formerly Invitae), Labcorp
Classification: Uncertain significance for Left ventricular noncompaction 8. Last evaluated: 2024-09-06. Review status: criteria provided, single submitter. Criteria: Invitae Variant Classification Sherloc (09022015). Collection method: clinical testing. Allele origin: germline.
Comment: This sequence change replaces valine, which is neutral and non-polar, with alanine, which is neutral and non-polar, at codon 870 of the PRDM16 protein (p.Val870Ala). This variant is present in population databases (rs780593352, gnomAD 0.0009%). This variant has not been reported in the literature in individuals affected with PRDM16-related conditions. An algorithm developed to predict the effect of missense changes on protein structure and function (PolyPhen-2) suggests that this variant is likely to be disruptive. In summary, the available evidence is currently insufficient to determine the role of this variant in disease. Therefore, it has been classified as a Variant of Uncertain Significance.